The following is an entry in ClinVar:

NM_020778.5(ALPK3):c.296T>A (p.Ile99Asn)

Gene: ALPK3 (alpha kinase 3; plus strand). Cytogenetic location: 15q25.3.
Variant type: single nucleotide variant.
Coding change: c.296T>A on transcript NM_020778.5 (MANE Select); coding-DNA position 296, T replaced by A.
Protein change: p.Ile99Asn; replaces isoleucine 99 with asparagine.
Molecular consequence: missense variant.
Genome position (GRCh38, 1-based): chr15:84,827,597, T>A. VCF-style: chr15-84827597-T-A. GRCh37 (hg19) VCF-style: chr15-85370828-T-A.
Other names: short protein forms I99N.
Identifiers: ClinVar variation 4726201 (VCV004726201.1).
Genomic context (GRCh38, chr15:84,827,597, plus strand): 5'-TTGAGACCACGCTCAAGTCCCGGTCTGTGTCCGAGGACAGCGACGTCAGGTTCACCTGCA[T>A]CGTCACAGGTAAGGATGCTGTCTGTATGCTCCATGCCAGGGCCTCTGCACAGAGCAGGGT-3'
Protein context (NP_065829.4, residues 89-109): SEDSDVRFTC[Ile99Asn]VTGYPEPEVT

ClinVar aggregate classification (germline): Uncertain significance (1 of 4 stars; one submission).

Submission:

Labcorp Genetics (formerly Invitae), Labcorp
Classification: Uncertain significance. Last evaluated: 2025-08-29. Review status: criteria provided, single submitter. Criteria: Invitae Variant Classification Sherloc (09022015). Collection method: clinical testing. Allele origin: germline.
Comment: This sequence change replaces isoleucine, which is neutral and non-polar, with asparagine, which is neutral and polar, at codon 301 of the ALPK3 protein (p.Ile301Asn). This variant is not present in population databases (gnomAD no frequency). This variant has not been reported in the literature in individuals affected with ALPK3-related conditions. An algorithm developed to predict the effect of missense changes on protein structure and function (PolyPhen-2) suggests that this variant is likely to be disruptive. In summary, the available evidence is currently insufficient to determine the role of this variant in disease. Therefore, it has been classified as a Variant of Uncertain Significance.